The following is an entry in ClinVar:

ClinVar aggregate classification (germline): Uncertain significance. Review status: criteria provided, multiple submitters, no conflicts (2 of 4 stars). 3 submissions from 3 submitters: Uncertain significance (3). Last evaluated 2025-03-12.

Conditions:
Inborn genetic diseases. Identifiers: MedGen C0950123, MeSH D030342.

Allele frequency attached by ClinVar (database versions not stated): gnomAD 0.00001; gnomAD exomes 0.00001; TOPMed 0.00001; ExAC 0.00002.
gnomAD v4.1: 23 of 1,614,122 alleles (0.0014%); highest among the groups gnomAD compares: Non-Finnish European, 0.0019%; no homozygotes.

Submissions (3):

GeneDx
Classification: Uncertain significance. Last evaluated: 2025-03-12. Review status: criteria provided, single submitter. Criteria: GeneDx Variant Classification Process June 2021. Collection method: clinical testing. Allele origin: germline. Affected: yes.
Comment: Has not been previously published as pathogenic or benign to our knowledge; Not observed at significant frequency in large population cohorts (gnomAD); In silico analysis indicates that this missense variant does not alter protein structure/function

Ambry Genetics
Classification: Uncertain significance for Inborn genetic diseases. Last evaluated: 2023-02-16. Review status: criteria provided, single submitter. Criteria: Ambry Variant Classification Scheme 2023. Collection method: clinical testing. Allele origin: germline.

Labcorp Genetics (formerly Invitae), Labcorp
Classification: Uncertain significance. Last evaluated: 2021-11-24. Review status: criteria provided, single submitter. Criteria: Invitae Variant Classification Sherloc (09022015). Collection method: clinical testing. Allele origin: germline.
Comment: This sequence change replaces valine, which is neutral and non-polar, with isoleucine, which is neutral and non-polar, at codon 149 of the FLAD1 protein (p.Val149Ile). This variant is present in population databases (rs755926549, gnomAD 0.003%). This variant has not been reported in the literature in individuals affected with FLAD1-related conditions. Algorithms developed to predict the effect of missense changes on protein structure and function output the following: SIFT: "Tolerated"; PolyPhen-2: "Benign"; Align-GVGD: "Class C0". The isoleucine amino acid residue is found in multiple mammalian species, which suggests that this missense change does not adversely affect protein function. In summary, the available evidence is currently insufficient to determine the role of this variant in disease. Therefore, it has been classified as a Variant of Uncertain Significance.

NM_025207.5(FLAD1):c.445G>A (p.Val149Ile)

Gene: FLAD1 (flavin adenine dinucleotide synthetase 1; plus strand). Cytogenetic location: 1q21.3.
Variant type: single nucleotide variant.
Coding change: c.445G>A on transcript NM_025207.5 (MANE Select); coding-DNA position 445, G replaced by A.
Protein change: p.Val149Ile; replaces valine 149 with isoleucine.
Molecular consequence: missense variant.
Genome position (GRCh38, 1-based): chr1:154,988,177, G>A. VCF-style: chr1-154988177-G-A. GRCh37 (hg19) VCF-style: chr1-154960653-G-A.
Other names: c.154G>A, p.Val52Ile (NM_001184891.2, NM_201398.3); c.148G>A, p.Val50Ile (NM_001184892.2); short protein forms V149I, V50I, V52I.
Identifiers: ClinVar variation 1326550 (VCV001326550.6), dbSNP rs755926549, ClinGen allele CA1134333.